The following is an entry in ClinVar:

NM_001365951.3(KIF1B):c.5141T>C (p.Leu1714Pro)

Gene: KIF1B (kinesin family member 1B; plus strand). Cytogenetic location: 1p36.22.
Variant type: single nucleotide variant.
Coding change: c.5141T>C on transcript NM_001365951.3 (MANE Select); coding-DNA position 5141, T replaced by C.
Protein change: p.Leu1714Pro; replaces leucine 1714 with proline.
Molecular consequence: missense variant.
Genome position (GRCh38, 1-based): chr1:10,374,898, T>C. VCF-style: chr1-10374898-T-C. GRCh37 (hg19) VCF-style: chr1-10434956-T-C.
Other names: c.5141T>C, p.Leu1714Pro (NM_001365952.1); c.5003T>C, p.Leu1668Pro (NM_015074.3); short protein forms L1714P, L1668P.
Identifiers: ClinVar variation 4841888 (VCV004841888.1).

ClinVar aggregate classification (germline): Uncertain significance (1 of 4 stars; one submission).

Submission:

Ambry Genetics
Classification: Uncertain significance. Last evaluated: 2026-01-11. Review status: criteria provided, single submitter. Criteria: Ambry Variant Classification Scheme 2023. Collection method: clinical testing. Allele origin: germline.
Comment: The p.L1668P variant (also known as c.5003T>C), located in coding exon 44 of the KIF1B gene, results from a T to C substitution at nucleotide position 5003. The leucine at codon 1668 is replaced by proline, an amino acid with similar properties. This amino acid position is conserved. In addition, this alteration is predicted to be tolerated by in silico analysis. Based on the available evidence, the clinical significance of this variant remains unclear.